The following is an entry in ClinVar:

ClinVar aggregate classification (germline): Pathogenic (1 of 4 stars; one submission).

Conditions:
Hereditary breast ovarian cancer syndrome. Also called: Hereditary breast and ovarian cancer; Hereditary breast and ovarian cancer syndrome (HBOC); BRCA1- and BRCA2-Associated Hereditary Breast and Ovarian Cancer; Hereditary breast and ovarian cancer syndrome; Hereditary breast and/or ovarian cancer syndrome; Breast and ovarian cancer. Identifiers: Orphanet 145, MedGen C0677776, MeSH D061325, MONDO:0003582. Disease mechanism: loss of function.

Submission:

Labcorp Genetics (formerly Invitae), Labcorp
Classification: Pathogenic for Hereditary breast ovarian cancer syndrome. Last evaluated: 2021-08-12. Review status: criteria provided, single submitter. Criteria: Invitae Variant Classification Sherloc (09022015). Collection method: clinical testing. Allele origin: germline.
Comment: This variant is a gross deletion of the genomic region encompassing exon(s) 3-14 of the BRCA1 gene. This deletion is out-of-frame, and is expected to create a premature termination codon and result in an absent or disrupted protein product. Loss-of-function variants in BRCA1 are known to be pathogenic (PMID: 20104584). A similar copy number variant has been observed in individual(s) with hereditary breast and/or ovarian cancer (PMID: 12960223). This variant is also known as a deletion of exons 3-15. For these reasons, this variant has been classified as Pathogenic.

Literature cited by the submitters: PubMed 20104584; PubMed 12960223.

NC_000017.11:g.(?_43074311)_(43115799_?)del

Genes: BRCA1 (BRCA1 DNA repair associated; minus strand), LOC126862571 (BRD4-independent group 4 enhancer GRCh37_chr17:41243136-41244335; plus strand). Cytogenetic location: 17q21.31.
Variant type: Deletion.
Identifiers: ClinVar variation 640454 (VCV000640454.3).